The following is an entry in ClinVar:

NM_024577.4(SH3TC2):c.820_821insT (p.Lys274fs)

Gene: SH3TC2 (SH3 domain and tetratricopeptide repeats 2; minus strand). Cytogenetic location: 5q32.
Variant type: Insertion.
Coding change: c.820_821insT on transcript NM_024577.4 (MANE Select); coding-DNA positions 820 to 821, T inserted.
Protein change: p.Lys274fs; shifts the reading frame from lysine 274.
Molecular consequence: frameshift variant.
Genome position: GRCh38 VCF-style: chr5-149038475-T-TA. GRCh37 (hg19) VCF-style: chr5-148418038-T-TA.
Other names: short protein forms K274fs.
Identifiers: ClinVar variation 243068 (VCV000243068.1), dbSNP rs879253859, ClinGen allele CA10584081.

ClinVar aggregate classification (germline): Pathogenic (1 of 4 stars; one submission).

Conditions:
Charcot-Marie-Tooth disease type 4C (CMT4C). Also called: CHARCOT-MARIE-TOOTH DISEASE, DEMYELINATING, TYPE 4C; Charcot-Marie-Tooth Neuropathy Type 4C (CMT4C); CHARCOT-MARIE-TOOTH DISEASE, DEMYELINATING, AUTOSOMAL RECESSIVE, TYPE 4C; CMT 4C; SH3TC2-Related Hereditary Motor and Sensory Neuropathy. Identifiers: Orphanet 99949, MedGen C1866636, MONDO:0011113, OMIM 601596.

Submission:

Lupski Lab, Baylor-Hopkins CMG, Baylor College of Medicine
Classification: Pathogenic for Charcot-Marie-Tooth disease type 4C. Last evaluated: 2015-08-18. Review status: criteria provided, single submitter. Criteria: Gonzaga-Jauregui et al. (Cell Rep. 2015). Collection method: research. Allele origin: germline. Inheritance: Autosomal recessive inheritance. Affected: yes. Observed: 1 variant allele, 1 homozygote.
Comment: This variant is predicted deleterious according to ACMG guidelines.